The following is an entry in ClinVar:

NM_001253852.3(AP4B1):c.319C>T (p.Arg107Trp)

Gene: AP4B1 (adaptor related protein complex 4 subunit beta 1; minus strand). Cytogenetic location: 1p13.2.
Variant type: single nucleotide variant.
Coding change: c.319C>T on transcript NM_001253852.3 (MANE Select); coding-DNA position 319, C replaced by T.
Protein change: p.Arg107Trp; replaces arginine 107 with tryptophan.
Molecular consequence: missense variant. On other transcripts: intron variant (1).
Genome position (GRCh38, 1-based): chr1:113,902,657, G>A on the plus strand (C>T on the coding strand, the complement: AP4B1 is on the minus strand). VCF-style: chr1-113902657-G-A. GRCh37 (hg19) VCF-style: chr1-114445279-G-A.
Other names: c.22C>T, p.Arg8Trp (NM_001253853.3); c.319C>T, p.Arg107Trp (NM_006594.5); c.113+1948C>T (NM_001308312.2); short protein forms R107W, R8W.
Identifiers: ClinVar variation 828196 (VCV000828196.11), dbSNP rs74361335, ClinGen allele CA1016140.

ClinVar aggregate classification (germline): Conflicting classifications of pathogenicity. Review status: criteria provided, conflicting classifications (1 of 4 stars). 7 submissions from 7 submitters: Likely pathogenic (1); Uncertain significance (4). 2 of the submissions do not count toward it. Last evaluated 2024-02-02.

Conditions:
Hereditary spastic paraplegia 47. Also called: adaptor protein 4 (AP-4) deficiency syndrome; Spastic paraplegia 47, autosomal recessive; CEREBRAL PALSY, SPASTIC QUADRIPLEGIC, 5. Identifiers: Orphanet 280763, MedGen C3279738, MONDO:0013551, OMIM 614066.
AP4B1-related disorder. Also called: AP4B1-related condition.

Allele frequency attached by ClinVar (database versions not stated): TOPMed 0.00002; gnomAD 0.00003; ESP Exome Variant Server 0.00008; 1000 Genomes Project 30x 0.00016; 1000 Genomes Project 0.00020.
gnomAD v4.1: 34 of 1,613,290 alleles (0.0021%); highest among the groups gnomAD compares: Non-Finnish European, 0.0025%; 1 homozygote.

Submissions (7):

Institute of Immunology and Genetics Kaiserslautern
Classification: Uncertain significance for Hereditary spastic paraplegia 47. Last evaluated: 2024-02-02. Review status: criteria provided, single submitter. Criteria: ACMG Guidelines, 2015. Collection method: clinical testing. Allele origin: germline. Affected: yes.
Comment: ACMG Criteria: PM2, PP3; Variant was found in homozygous state

Genome-Nilou Lab
Classification: Uncertain significance for Hereditary spastic paraplegia 47. Last evaluated: 2023-04-11. Review status: criteria provided, single submitter. Criteria: ACMG Guidelines, 2015. Collection method: clinical testing. Allele origin: germline. Affected: no.

Blueprint Genetics
Classification: Likely pathogenic for AP4B1-related disorders. Last evaluated: 2022-06-15. Review status: criteria provided, single submitter. Criteria: ACMG Guidelines, 2015. Collection method: clinical testing. Allele origin: germline. Affected: yes. Observed: 2 variant alleles.

Labcorp Genetics (formerly Invitae), Labcorp
Classification: Uncertain significance for Hereditary spastic paraplegia 47. Last evaluated: 2021-08-07. Review status: criteria provided, single submitter. Criteria: Invitae Variant Classification Sherloc (09022015). Collection method: clinical testing. Allele origin: germline.
Comment: This sequence change replaces arginine with tryptophan at codon 107 of the AP4B1 protein (p.Arg107Trp). The arginine residue is highly conserved and there is a moderate physicochemical difference between arginine and tryptophan. This variant is present in population databases (rs74361335, ExAC 0.003%). This variant has not been reported in the literature in individuals affected with AP4B1-related conditions. ClinVar contains an entry for this variant (Variation ID: 828196). Algorithms developed to predict the effect of missense changes on protein structure and function are either unavailable or do not agree on the potential impact of this missense change (SIFT: "Deleterious"; PolyPhen-2: "Probably Damaging"; Align-GVGD: "Class C0"). In summary, the available evidence is currently insufficient to determine the role of this variant in disease. Therefore, it has been classified as a Variant of Uncertain Significance.

HudsonAlpha Institute for Biotechnology
Classification: Uncertain significance for Hereditary spastic paraplegia 47. Last evaluated: 2019-10-11. Review status: criteria provided, single submitter. Criteria: ACMG Guidelines, 2015. Collection method: research. Allele origin: paternal. Affected: yes. Observed: 1 variant allele. Study: HudsonAlpha-AGHI-WGS.

Diagnostic Laboratory, Department of Genetics, University Medical Center Groningen
Classification: Uncertain significance. Review status: no assertion criteria provided. Collection method: clinical testing. Allele origin: germline. Affected: yes. Study: VKGL Data-share Consensus. Not counted in ClinVar's aggregate classification.

Joint Genome Diagnostic Labs from Nijmegen and Maastricht, Radboudumc and MUMC+
Classification: Uncertain significance. Review status: no assertion criteria provided. Collection method: clinical testing. Allele origin: germline. Affected: yes. Study: VKGL Data-share Consensus. Not counted in ClinVar's aggregate classification.